The following is an entry in ClinVar:

ClinVar aggregate classification (germline): Uncertain significance (1 of 4 stars; one submission).

Conditions:
Arrhythmogenic right ventricular dysplasia 11. Also called: Arrhythmogenic Right Ventricular Dysplasia/Cardiomyopathy11; ARRHYTHMOGENIC RIGHT VENTRICULAR DYSPLASIA, FAMILIAL, 11; Arrhythmogenic right ventricular dysplasia 11 with mild palmoplantar keratoderma and woolly hair. Identifiers: MedGen C1864850, MONDO:0012506, OMIM 610476.

Submission:

Labcorp Genetics (formerly Invitae), Labcorp
Classification: Uncertain significance for Arrhythmogenic right ventricular dysplasia 11. Last evaluated: 2025-02-05. Review status: criteria provided, single submitter. Criteria: Invitae Variant Classification Sherloc (09022015). Collection method: clinical testing. Allele origin: germline.
Comment: This sequence change falls in intron 4 of the DSC2 gene. It does not directly change the encoded amino acid sequence of the DSC2 protein. It affects a nucleotide within the consensus splice site. This variant is not present in population databases (gnomAD no frequency). This variant has not been reported in the literature in individuals affected with DSC2-related conditions. ClinVar contains an entry for this variant (Variation ID: 1997855). Variants that disrupt the consensus splice site are a relatively common cause of aberrant splicing (PMID: 17576681, 9536098). Algorithms developed to predict the effect of sequence changes on RNA splicing suggest that this variant is not likely to affect RNA splicing. In summary, the available evidence is currently insufficient to determine the role of this variant in disease. Therefore, it has been classified as a Variant of Uncertain Significance.

Literature cited by the submitters: PubMed 17576681; PubMed 9536098.

NM_024422.6(DSC2):c.474+5C>G

Gene: DSC2 (desmocollin 2; minus strand). Cytogenetic location: 18q12.1.
Variant type: single nucleotide variant.
Coding change: c.474+5C>G on transcript NM_024422.6 (MANE Select); 5 bases into the intron after coding-DNA position 474, C replaced by G.
Molecular consequence: intron variant.
Genome position (GRCh38, 1-based): chr18:31,091,023, G>C on the plus strand (C>G on the coding strand, the complement: DSC2 is on the minus strand). VCF-style: chr18-31091023-G-C. GRCh37 (hg19) VCF-style: chr18-28670986-G-C.
Other names: c.474+5C>G (NM_004949.5).
Identifiers: ClinVar variation 1997855 (VCV001997855.4), dbSNP rs397517400, ClinGen allele CA2580095617.